The following is an entry in ClinVar:

NM_000051.4(ATM):c.1607+10G>A

Gene: ATM (ATM serine/threonine kinase; plus strand). Cytogenetic location: 11q22.3.
Variant type: single nucleotide variant.
Coding change: c.1607+10G>A on transcript NM_000051.4 (MANE Select); 10 bases into the intron after coding-DNA position 1607, G replaced by A.
Molecular consequence: intron variant.
Genome position (GRCh38, 1-based): chr11:108,251,082, G>A. VCF-style: chr11-108251082-G-A. GRCh37 (hg19) VCF-style: chr11-108121809-G-A.
Other names: c.1607+10G>A (NM_001351834.2).
Identifiers: ClinVar variation 1128018 (VCV001128018.10), dbSNP rs1555071298, ClinGen allele CA2499220569.

ClinVar aggregate classification (germline): Likely benign. Review status: criteria provided, multiple submitters, no conflicts (2 of 4 stars). 2 submissions from 2 submitters: Likely benign (2). Last evaluated 2024-04-30.

Conditions:
Ataxia-telangiectasia syndrome (AT). Also called: Cerebello-oculocutaneous telangiectasia; Immunodeficiency with ataxia telangiectasia; ATAXIA-TELANGIECTASIA, COMPLEMENTATION GROUP A; ATAXIA-TELANGIECTASIA, FRESNO VARIANT; Ataxia-telangiectasia; Ataxia-telangiectasia, complementation group D. Identifiers: Orphanet 100, MedGen C0004135, MONDO:0008840, OMIM 208900.
Familial cancer of breast. Also called: Hereditary breast cancer; BREAST CANCER, FAMILIAL; hereditary breast carcinoma. Identifiers: Orphanet 227535, MedGen C0346153, MONDO:0016419, OMIM 114480. Disease mechanism: loss of function.

Submissions (2):

Myriad Genetics, Inc.
Classification: Likely benign for Familial cancer of breast. Last evaluated: 2024-04-30. Review status: criteria provided, single submitter. Criteria: Myriad Autosomal Dominant, Autosomal Recessive and X-Linked Classification Criteria (2023). Collection method: clinical testing. Allele origin: unknown.
Comment: This variant is considered likely benign. This variant is intronic and is not expected to impact mRNA splicing.

Labcorp Genetics (formerly Invitae), Labcorp
Classification: Likely benign for Ataxia-telangiectasia syndrome. Last evaluated: 2020-01-23. Review status: criteria provided, single submitter. Criteria: Invitae Variant Classification Sherloc (09022015). Collection method: clinical testing. Allele origin: germline.